The following is an entry in ClinVar:

ClinVar aggregate classification (germline): Likely benign. Review status: criteria provided, multiple submitters, no conflicts (2 of 4 stars). 3 submissions from 3 submitters: Likely benign (3). Last evaluated 2025-07-20.

Conditions:
Cardiovascular phenotype. Identifiers: MedGen CN230736.
Autosomal recessive limb-girdle muscular dystrophy type 2J (LGMDR10). Also called: Limb-girdle muscular dystrophy, type 2J; MUSCULAR DYSTROPHY, LIMB-GIRDLE, AUTOSOMAL RECESSIVE 10. Identifiers: Orphanet 140922, MedGen C1837342, MONDO:0012127, OMIM 608807.
Dilated cardiomyopathy 1G (CMD1G). Identifiers: Orphanet 154, MedGen C1858763, MONDO:0011400, OMIM 604145.

Allele frequency attached by ClinVar (database versions not stated): gnomAD 0.00001; gnomAD exomes 0.00001; TOPMed 0.00002; ExAC 0.00006.
gnomAD v4.1: 12 of 1,580,672 alleles (0.00076%); highest among the groups gnomAD compares: Admixed American, 0.0019%; no homozygotes.

Submissions (3):

Labcorp Genetics (formerly Invitae), Labcorp
Classification: Likely benign for Dilated cardiomyopathy 1G; Autosomal recessive limb-girdle muscular dystrophy type 2J. Last evaluated: 2025-07-20. Review status: criteria provided, single submitter. Criteria: Invitae Variant Classification Sherloc (09022015). Collection method: clinical testing. Allele origin: germline.

CeGaT Center for Human Genetics Tuebingen
Classification: Likely benign. Last evaluated: 2024-02-01. Review status: criteria provided, single submitter. Criteria: CeGaT Center For Human Genetics Tuebingen Variant Classification Criteria Version 2. Collection method: clinical testing. Allele origin: germline. Affected: yes. Observed: 2 variant alleles.
Comment: TTN: BP4, BP7

Ambry Genetics
Classification: Likely benign for Cardiovascular phenotype. Last evaluated: 2022-04-21. Review status: criteria provided, single submitter. Criteria: Ambry Variant Classification Scheme 2023. Collection method: clinical testing. Allele origin: germline.

NM_001267550.2(TTN):c.47748A>G (p.Glu15916=)

Genes: TTN (titin; minus strand), TTN-AS1 (TTN antisense RNA 1; plus strand). Cytogenetic location: 2q31.2.
Variant type: single nucleotide variant.
Coding change: c.47748A>G on transcript NM_001267550.2 (MANE Select); coding-DNA position 47748, A replaced by G.
Protein change: p.Glu15916=; no amino-acid change (glutamic acid 15916 retained).
Molecular consequence: synonymous variant.
Genome position (GRCh38, 1-based): chr2:178,617,337, T>C on the plus strand (A>G on the coding strand, the complement: TTN is on the minus strand). VCF-style: chr2-178617337-T-C. GRCh37 (hg19) VCF-style: chr2-179482064-T-C.
Other names: c.42825A>G, p.Glu14275= (NM_001256850.1); c.20553A>G, p.Glu6851= (NM_003319.4); c.40044A>G, p.Glu13348= (NM_133378.4); c.20928A>G, p.Glu6976= (NM_133432.3); c.21129A>G, p.Glu7043= (NM_133437.4).
Identifiers: ClinVar variation 698787 (VCV000698787.42), dbSNP rs760483525, ClinGen allele CA1994993.